The following is an entry in ClinVar:

ClinVar aggregate classification (germline): Uncertain significance. Review status: criteria provided, multiple submitters, no conflicts (2 of 4 stars). 2 submissions from 2 submitters: Uncertain significance (2). Last evaluated 2025-12-30.

Allele frequency attached by ClinVar (database versions not stated): gnomAD 0.00001; ExAC 0.00002; gnomAD exomes 0.00002; TOPMed 0.00002.
gnomAD v4.1: 30 of 1,612,294 alleles (0.0019%); highest among the groups gnomAD compares: Middle Eastern, 0.082%; no homozygotes.

Submissions (2):

Labcorp Genetics (formerly Invitae), Labcorp
Classification: Uncertain significance. Last evaluated: 2025-12-30. Review status: criteria provided, single submitter. Criteria: Invitae Variant Classification Sherloc (09022015). Collection method: clinical testing. Allele origin: germline.
Comment: This sequence change replaces aspartic acid, which is acidic and polar, with glycine, which is neutral and non-polar, at codon 474 of the MKL1 protein (p.Asp474Gly). This variant is present in population databases (rs781401848, gnomAD 0.003%). This variant has not been reported in the literature in individuals affected with MKL1-related conditions. ClinVar contains an entry for this variant (Variation ID: 2054193). An algorithm developed to predict the effect of missense changes on protein structure and function (PolyPhen-2) suggests that this variant is likely to be disruptive. In summary, the available evidence is currently insufficient to determine the role of this variant in disease. Therefore, it has been classified as a Variant of Uncertain Significance.

Ambry Genetics
Classification: Uncertain significance. Last evaluated: 2025-03-27. Review status: criteria provided, single submitter. Criteria: Ambry Variant Classification Scheme 2023. Collection method: clinical testing. Allele origin: germline.

NM_020831.6(MRTFA):c.1721A>G (p.Asp574Gly)

Gene: MRTFA (myocardin related transcription factor A; minus strand). Cytogenetic location: 22q13.1.
Variant type: single nucleotide variant.
Coding change: c.1721A>G on transcript NM_020831.6 (MANE Select); coding-DNA position 1721, A replaced by G.
Protein change: p.Asp574Gly; replaces aspartic acid 574 with glycine.
Molecular consequence: missense variant.
Genome position (GRCh38, 1-based): chr22:40,419,017, T>C on the plus strand (A>G on the coding strand, the complement: MRTFA is on the minus strand). VCF-style: chr22-40419017-T-C. GRCh37 (hg19) VCF-style: chr22-40815021-T-C.
Other names: c.1421A>G, p.Asp474Gly (NM_001282660.2); c.1571A>G, p.Asp524Gly (NM_001282661.3); c.1721A>G, p.Asp574Gly (NM_001282662.3); c.1526A>G, p.Asp509Gly (NM_001318139.2); c.1421A>G (NM_020831.3); short protein forms D474G, D524G, D509G, D574G.
Identifiers: ClinVar variation 2054193 (VCV002054193.5), dbSNP rs781401848, ClinGen allele CA10249571.
Genomic context (GRCh38, chr22:40,419,017, plus strand): 5'-AGTGGCGAGGCCTGCAGGGTCAGCTGCGTCAGAGGTGATGTCACCATCTCACCAAAGGTG[T>C]CCCCGGGGGTGGAGTTTTCATCGCCCGTGCTGAGCAGTGAGCGCTCCGAGGGGGTGGGAG-3'
Protein context (NP_065882.2, residues 564-584): STGDENSTPG[Asp574Gly]TFGEMVTSPL